The following is an entry in ClinVar:

ClinVar aggregate classification (germline): Uncertain significance (1 of 4 stars; one submission).

Submission:

GeneDx
Classification: Uncertain significance. Last evaluated: 2019-09-26. Review status: criteria provided, single submitter. Criteria: GeneDx Variant Classification Process June 2021. Collection method: clinical testing. Allele origin: germline. Affected: yes.
Comment: Has not been previously published as pathogenic or benign to our knowledge; Not observed in large population cohorts (Lek et al., 2016); Nucleotide substitution has no predicted effect on splicing and is not conserved across species

NM_145331.3(MAP3K7):c.-5G>T

Gene: MAP3K7 (mitogen-activated protein kinase kinase kinase 7; minus strand). Cytogenetic location: 6q15.
Variant type: single nucleotide variant.
Coding change: c.-5G>T on transcript NM_145331.3 (MANE Select); 5 bases upstream of the start codon, G replaced by T.
Molecular consequence: 5 prime UTR variant.
Genome position (GRCh38, 1-based): chr6:90,586,888, C>A on the plus strand (G>T on the coding strand, the complement: MAP3K7 is on the minus strand). VCF-style: chr6-90586888-C-A. GRCh37 (hg19) VCF-style: chr6-91296607-C-A.
Other names: c.-5G>T (NM_003188.4, NM_145332.3, NM_145333.3).
Identifiers: ClinVar variation 1312404 (VCV001312404.2), dbSNP rs1777481399, ClinGen allele CA1645953488.